The following is an entry in ClinVar:

ClinVar aggregate classification (germline): Conflicting classifications of pathogenicity. Review status: criteria provided, conflicting classifications (1 of 4 stars). 9 submissions from 9 submitters: Uncertain significance (3); Benign (1); Likely benign (5). Last evaluated 2026-03-11.

Conditions:
Inborn genetic diseases. Identifiers: MedGen C0950123, MeSH D030342.
Autosomal recessive spastic paraplegia type 78. Identifiers: Orphanet 513436, MedGen C5567893, MONDO:0014975, OMIM 617225.
Kufor-Rakeb syndrome (KRS). Also called: PARKINSON DISEASE 9, AUTOSOMAL RECESSIVE, JUVENILE-ONSET. Identifiers: Orphanet 306674, Orphanet 314632, MedGen C1847640, MONDO:0011706, OMIM 606693.

Allele frequency attached by ClinVar (database versions not stated): TOPMed 0.00040; gnomAD 0.00041 and 0.00044; ESP Exome Variant Server 0.00054; ExAC 0.00064; gnomAD exomes 0.00074.
gnomAD v4.1: 693 of 1,614,098 alleles (0.043%); highest among the groups gnomAD compares: Middle Eastern, 0.26%; 1 homozygote.

Submissions (9):

Women's Health and Genetics/Laboratory Corporation of America, LabCorp
Classification: Likely benign. Last evaluated: 2026-03-11. Review status: criteria provided, single submitter. Criteria: LabCorp Variant Classification Summary - May 2015. Collection method: clinical testing. Allele origin: germline.
Comment: Variant summary: ATP13A2 c.746C>T (p.Ala249Val) results in a non-conservative amino acid change in the encoded protein sequence. Algorithms developed to predict the effect of missense changes on protein structure and function are either unavailable or do not agree on the potential impact of this missense change. The observed variant frequency within Ashkenazi Jewish control individuals in the gnomAD database exceeds the estimated maximal expected allele frequency for disease-causing variants in ATP13A2, and one homozygous control individual is found in gnomAD v4.1. To our knowledge, no occurrence of c.746C>T in individuals affected with ATP13A2-related conditions and no experimental evidence demonstrating its impact on protein function have been reported. ClinVar contains an entry for this variant (Variation ID: 585085). Based on the evidence outlined above, the variant was classified as likely benign.

Labcorp Genetics (formerly Invitae), Labcorp
Classification: Likely benign for Kufor-Rakeb syndrome; Autosomal recessive spastic paraplegia type 78. Last evaluated: 2026-01-25. Review status: criteria provided, single submitter. Criteria: Invitae Variant Classification Sherloc (09022015). Collection method: clinical testing. Allele origin: germline.

Athena Diagnostics
Classification: Benign. Last evaluated: 2025-06-20. Review status: criteria provided, single submitter. Criteria: Athena Diagnostics Criteria. Collection method: clinical testing. Allele origin: unknown.
Comment: The frequency of this variant in the general population is higher than would generally be expected for pathogenic variants in this gene.

CeGaT Center for Human Genetics Tuebingen
Classification: Likely benign. Last evaluated: 2025-06-01. Review status: criteria provided, single submitter. Criteria: CeGaT Center For Human Genetics Tuebingen Variant Classification Criteria Version 2. Collection method: clinical testing. Allele origin: germline. Affected: yes. Observed: 5 variant alleles.
Comment: ATP13A2: BP4

Mayo Clinic Laboratories, Mayo Clinic
Classification: Uncertain significance. Last evaluated: 2025-04-30. Review status: criteria provided, single submitter. Criteria: ACMG Guidelines, 2015. Collection method: clinical testing. Allele origin: germline. Observed: 1 variant allele.
Comment: BS1

Blueprint Genetics
Classification: Likely benign. Last evaluated: 2024-11-18. Review status: criteria provided, single submitter. Criteria: ACMG Guidelines, 2015. Collection method: clinical testing. Allele origin: germline.

Ambry Genetics
Classification: Likely benign for Inborn genetic diseases. Last evaluated: 2021-11-15. Review status: criteria provided, single submitter. Criteria: Ambry Variant Classification Scheme 2023. Collection method: clinical testing. Allele origin: germline.

Department of Pathology and Laboratory Medicine, Sinai Health System
Classification: Uncertain significance for Kufor-Rakeb syndrome. Last evaluated: 2021-07-30. Review status: criteria provided, single submitter. Criteria: ACMG Guidelines, 2015. Collection method: research. Allele origin: germline.

Illumina Laboratory Services, Illumina
Classification: Uncertain significance for Kufor-Rakeb syndrome. Last evaluated: 2017-04-27. Review status: criteria provided, single submitter. Criteria: ICSL Variant Classification Criteria 13 December 2019. Collection method: clinical testing. Allele origin: germline.
Comment: This variant was observed as part of a predisposition screen in an ostensibly healthy population. A literature search was performed for the gene, cDNA change, and amino acid change (where applicable). Publications were found based on this search. However, the evidence from the literature, in combination with allele frequency data from public databases where available, was not sufficient to rule this variant in or out of causing disease. Therefore, this variant is classified as a variant of unknown significance.

Literature cited by the submitters: PubMed 19705361 (cited by 3 submitters); PubMed 34426522 (cited by Athena Diagnostics); PubMed 32613234 (cited by Athena Diagnostics and Mayo Clinic Laboratories, Mayo Clinic); PubMed 38173558 (cited by Mayo Clinic Laboratories, Mayo Clinic).

NM_022089.4(ATP13A2):c.746C>T (p.Ala249Val)

Gene: ATP13A2 (ATPase cation transporting 13A2; minus strand). Cytogenetic location: 1p36.13.
Variant type: single nucleotide variant.
Coding change: c.746C>T on transcript NM_022089.4 (MANE Select); coding-DNA position 746, C replaced by T.
Protein change: p.Ala249Val; replaces alanine 249 with valine.
Molecular consequence: missense variant.
Genome position (GRCh38, 1-based): chr1:17,000,494, G>A on the plus strand (C>T on the coding strand, the complement: ATP13A2 is on the minus strand). VCF-style: chr1-17000494-G-A. GRCh37 (hg19) VCF-style: chr1-17326989-G-A.
Other names: p.Ala249Val; c.731C>T, p.Ala244Val (NM_001141973.3, NM_001141974.3); short protein forms A249V, A244V.
Identifiers: ClinVar variation 585085 (VCV000585085.61), dbSNP rs145515028, ClinGen allele CA637499.